The following is an entry in ClinVar:

NM_001375524.1(TRRAP):c.1813-1G>C

Gene: TRRAP (transformation/transcription domain associated protein; plus strand). Cytogenetic location: 7q22.1.
Variant type: single nucleotide variant.
Coding change: c.1813-1G>C on transcript NM_001375524.1 (MANE Select); the canonical splice acceptor site of the intron before coding-DNA position 1813, G replaced by C.
Molecular consequence: splice acceptor variant.
Genome position (GRCh38, 1-based): chr7:98,911,076, G>C. VCF-style: chr7-98911076-G-C. GRCh37 (hg19) VCF-style: chr7-98508699-G-C.
Other names: c.1813-1G>C (NM_001244580.2, NM_003496.4).
Identifiers: ClinVar variation 2033209 (VCV002033209.4), dbSNP rs2484715835, ClinGen allele CA368287647.

ClinVar aggregate classification (germline): Uncertain significance (1 of 4 stars; one submission).

Submission:

Labcorp Genetics (formerly Invitae), Labcorp
Classification: Uncertain significance. Last evaluated: 2025-07-14. Review status: criteria provided, single submitter. Criteria: Invitae Variant Classification Sherloc (09022015). Collection method: clinical testing. Allele origin: germline.
Comment: This sequence change affects an acceptor splice site in intron 16 of the TRRAP gene. It is expected to disrupt RNA splicing. Variants that disrupt the donor or acceptor splice site typically lead to a loss of protein function (PMID: 16199547), however the current clinical and genetic evidence is not sufficient to establish whether loss-of-function variants in TRRAP cause disease. This variant is not present in population databases (gnomAD no frequency). This variant has not been reported in the literature in individuals affected with TRRAP-related conditions. ClinVar contains an entry for this variant (Variation ID: 2033209). Algorithms developed to predict the effect of sequence changes on RNA splicing suggest that this variant may disrupt the consensus splice site. In summary, the available evidence is currently insufficient to determine the role of this variant in disease. Therefore, it has been classified as a Variant of Uncertain Significance.

Literature cited by the submitters: PubMed 16199547.